The following is an entry in ClinVar:

NM_152419.3(HGSNAT):c.884_885insTATTTTTTTTTATTTTTTTNNNNNNNNNNTGTTAGCCAGGATGGTCTCGATCTCCTGACCTCATGATCCACCCGCCTCGGCCTCCCAAAGTGCTGGGATTACAGGCGTGAGCCACCGCGCCCGGCCGGATCTTCCATTTTTCT (p.Leu295_Ser296insIlePhePheTyrPhePheXaaXaaXaaXaaLeuAlaArgMetValSerIleSerTer)

Gene: HGSNAT (heparan-alpha-glucosaminide N-acetyltransferase; plus strand). Cytogenetic location: 8p11.21.
Variant type: Insertion.
Coding change: c.884_885insTATTTTTTTTTATTTTTTTNNNNNNNNNNTGTTAGCCAGGATGGTCTCGATCTCCTGACCTCATGATCCACCCGCCTCGGCCTCCCAAAGTGCTGGGATTACAGGCGTGAGCCACCGCGCCCGGCCGGATCTTCCATTTTTCT on transcript NM_152419.3 (MANE Select); coding-DNA positions 884 to 885, TATTTTTTTTTATTTTTTTNNNNNNNNNNTGTTAGCCAGGATGGTCTCGATCTCCTGACCTCATGATCCACCCGCCTCGGCCTCCCAAAGTGCTGGGATTACAGGCGTGAGCCACCGCGCCCGGCCGGATCTTCCATTTTTCT inserted.
Protein change: p.Leu295_Ser296insIlePhePheTyrPhePheXaaXaaXaaXaaLeuAlaArgMetValSerIleSerTer.
Molecular consequence: nonsense, inframe insertion. On other transcripts: intron variant (1).
Genome position: GRCh38: chr8:43,178,106-43,178,107. GRCh37 (hg19): chr8:43,033,249-43,033,250.
Other names: c.884_885insTATTTTTTTTTATTTTTTTNNNNNNNNNNTGTTAGCCAGGATGGTCTCGATCTCCTGACCTCATGATCCACCCGCCTCGGCCTCCCAAAGTGCTGGGATTACAGGCGTGAGCCACCGCGCCCGGCCGGATCTTCCATTTTTCT, p.Leu295_Ser296insIlePhePheTyrPhePheXaaXaaXaaXaaLeuAlaArgMetValSerIleSerTer (NM_001363227.2); c.20_21insTATTTTTTTTTATTTTTTTNNNNNNNNNNTGTTAGCCAGGATGGTCTCGATCTCCTGACCTCATGATCCACCCGCCTCGGCCTCCCAAAGTGCTGGGATTACAGGCGTGAGCCACCGCGCCCGGCCGGATCTTCCATTTTTCT, p.Leu7_Ser8insIlePhePheTyrPhePheXaaXaaXaaXaaLeuAlaArgMetValSerIleSerTer (NM_001363229.2); c.821-4039_821-4038insTATTTTTTTTTATTTTTTTNNNNNNNNNNTGTTAGCCAGGATGGTCTCGATCTCCTGACCTCATGATCCACCCGCCTCGGCCTCCCAAAGTGCTGGGATTACAGGCGTGAGCCACCGCGCCCGGCCGGATCTTCCATTTTTCT (NM_001363228.2).
Identifiers: ClinVar variation 1076291 (VCV001076291.5), dbSNP rs2130766198.

ClinVar aggregate classification (germline): Pathogenic (1 of 4 stars; one submission).

Conditions:
Mucopolysaccharidosis, MPS-III-C (MPS3C). Also called: MPS III C; Mucopolysaccharidosis type IIIC (Sanfilippo C); SANFILIPPO SYNDROME C; MUCOPOLYSACCHARIDOSIS, TYPE IIIC; mucopolysaccharidosis type 3C; MPS IIIC (Sanfilippo Syndrome Type C). Identifiers: Orphanet 581, Orphanet 79271, MedGen C0086649, MONDO:0009657, OMIM 252930.
Retinitis pigmentosa 73 (RP73). Identifiers: Orphanet 791, MedGen C4225287, MONDO:0014687, OMIM 616544.

Submission:

Labcorp Genetics (formerly Invitae), Labcorp
Classification: Pathogenic for Retinitis pigmentosa 73; Mucopolysaccharidosis, MPS-III-C. Last evaluated: 2020-02-07. Review status: criteria provided, single submitter. Criteria: Invitae Variant Classification Sherloc (09022015). Collection method: clinical testing. Allele origin: germline.
Comment: This sequence change inserts a large fragment of DNA, likely a transposable element, in exon 10 of the HGSNAT gene (c.884_885insAlu), causing a frameshift at codon 296 (p.Ser296Ilefs). The exact size and sequence of the insertion cannot be determined by the current assay. However, the insertion is expected to result in an absent or disrupted protein product. This variant has not been reported in the literature in individuals with HGSNAT-related conditions. Retrotransposon insertions including LINE1 (L1), Alu, and SVA (SINE-VNTR-Alu) have been reported to be disease-causing through disruption of either a coding region or splice site (PMID: 19763152, 20307669, 22406018) and loss-of-function variants in HGSNAT are known to be pathogenic (PMID: 17033958, 19479962). For these reasons, this variant has been classified as Pathogenic.

Literature cited by the submitters: PubMed 19763152; PubMed 20307669; PubMed 22406018; PubMed 17033958; PubMed 19479962.